The following is an entry in ClinVar:

ClinVar aggregate classification (germline): Likely benign. Review status: criteria provided, multiple submitters, no conflicts (2 of 4 stars). 3 submissions from 3 submitters: Likely benign (3). Last evaluated 2026-07-05.

Conditions:
KIAA0586-related disorder. Also called: KIAA0586-related condition; KIAA0586- Related disorders.
Joubert syndrome 23 (JBTS23). Identifiers: Orphanet 475, MedGen C4084822, MONDO:0014664, OMIM 616490.
Short-rib thoracic dysplasia 14 with polydactyly (SRTD14). Identifiers: Orphanet 397715, MedGen C4225286, MONDO:0014688, OMIM 616546.

Allele frequency attached by ClinVar (database versions not stated): ExAC 0.00001; gnomAD exomes 0.00001 and 0.00002; gnomAD 0.00014 and 0.00016; TOPMed 0.00038.
gnomAD v4.1: 43 of 1,613,802 alleles (0.0027%); highest among the groups gnomAD compares: Admixed American, 0.057%; no homozygotes.

Submissions (3):

PreventionGenetics, part of Exact Sciences
Classification: Likely benign for KIAA0586-related condition. Last evaluated: 2026-07-05. Review status: criteria provided, single submitter. Criteria: ACMG Guidelines, 2015. Collection method: clinical testing. Allele origin: germline.
Comment: This variant is classified as likely benign based on ACMG/AMP sequence variant interpretation guidelines (Richards et al. 2015 PMID: 25741868, with internal and published modifications).

Labcorp Genetics (formerly Invitae), Labcorp
Classification: Likely benign for Joubert syndrome 23; Short-rib thoracic dysplasia 14 with polydactyly. Last evaluated: 2025-12-22. Review status: criteria provided, single submitter. Criteria: Invitae Variant Classification Sherloc (09022015). Collection method: clinical testing. Allele origin: germline.

Blueprint Genetics
Classification: Likely benign. Last evaluated: 2022-07-29. Review status: criteria provided, single submitter. Criteria: ACMG Guidelines, 2015. Collection method: clinical testing. Allele origin: germline.

NM_001329943.3(KIAA0586):c.3555A>G (p.Glu1185=)

Gene: KIAA0586 (KIAA0586; plus strand). Cytogenetic location: 14q23.1.
Variant type: single nucleotide variant.
Coding change: c.3555A>G on transcript NM_001329943.3 (MANE Select); coding-DNA position 3555, A replaced by G.
Protein change: p.Glu1185=; no amino-acid change (glutamic acid 1185 retained).
Molecular consequence: synonymous variant.
Genome position (GRCh38, 1-based): chr14:58,488,648, A>G. VCF-style: chr14-58488648-A-G. GRCh37 (hg19) VCF-style: chr14-58955366-A-G.
Other names: c.3714A>G, p.Glu1238= (NM_001244189.2); c.3510A>G, p.Glu1170= (NM_001244190.2); c.3300A>G, p.Glu1100= (NM_001244191.2, NM_001329945.2, NM_001364700.1 and 1 more transcripts); c.3423A>G, p.Glu1141= (NM_001244192.2); c.3135A>G, p.Glu1045= (NM_001244193.2); c.3555A>G, p.Glu1185= (NM_001329944.2, NM_001329946.2, NM_001329947.2); c.3327A>G, p.Glu1109= (NM_014749.5).
Identifiers: ClinVar variation 731623 (VCV000731623.11), dbSNP rs780038095, ClinGen allele CA7206197.
Genomic context (GRCh38, chr14:58,488,648, plus strand): 5'-TAACAAGCTCCAAATATGTCTTTATTTTCTTAGTGTAATGTCTGTGGCTAAGGATGAAGA[A>G]CCAGAGAGTATGGATTTCCCTGCTCAGCCTCCACCTCCAGAGCCAGTTCCCTTTATGCCA-3'
Protein context (NP_001316872.1, residues 1175-1195): AIVMSVAKDE[Glu1185=]PESMDFPAQP